The following is an entry in ClinVar:

ClinVar aggregate classification (germline): Uncertain significance (1 of 4 stars; one submission).

Submission:

Labcorp Genetics (formerly Invitae), Labcorp
Classification: Uncertain significance. Last evaluated: 2024-03-15. Review status: criteria provided, single submitter. Criteria: Invitae Variant Classification Sherloc (09022015). Collection method: clinical testing. Allele origin: germline.
Comment: This sequence change replaces tyrosine, which is neutral and polar, with histidine, which is basic and polar, at codon 48 of the RNF31 protein (p.Tyr48His). This variant is not present in population databases (gnomAD no frequency). This variant has not been reported in the literature in individuals affected with RNF31-related conditions. An algorithm developed to predict the effect of missense changes on protein structure and function (PolyPhen-2) suggests that this variant is likely to be disruptive. In summary, the available evidence is currently insufficient to determine the role of this variant in disease. Therefore, it has been classified as a Variant of Uncertain Significance.

NM_017999.5(RNF31):c.142T>C (p.Tyr48His)

Gene: RNF31 (ring finger protein 31; plus strand). Cytogenetic location: 14q12.
Variant type: single nucleotide variant.
Coding change: c.142T>C on transcript NM_017999.5 (MANE Select); coding-DNA position 142, T replaced by C.
Protein change: p.Tyr48His; replaces tyrosine 48 with histidine.
Molecular consequence: missense variant. On other transcripts: intron variant (1).
Genome position (GRCh38, 1-based): chr14:24,147,840, T>C. VCF-style: chr14-24147840-T-C. GRCh37 (hg19) VCF-style: chr14-24617049-T-C.
Other names: c.-325-136T>C (NM_001310332.2); short protein forms Y48H.
Identifiers: ClinVar variation 3645027 (VCV003645027.2).
Genomic context (GRCh38, chr14:24,147,840, plus strand): 5'-GCGTTTTCCCTGGAGCAGCTCCGGCCGCTACTAGCCAGCTCTCTGCCGCTAGCCGCCCGC[T>C]ACCTGCAGCTGGACGCCGCACGCCTTGTCCGCTGCAACGCTCATGGGGAGGTGAGGCCCG-3'
Protein context (NP_060469.4, residues 38-58): LASSLPLAAR[Tyr48His]LQLDAARLVR